The following is an entry in ClinVar:

NM_152906.7(TANGO2):c.265+113C>T

Gene: TANGO2 (transport and golgi organization 2 homolog; plus strand). Cytogenetic location: 22q11.21.
Variant type: single nucleotide variant.
Coding change: c.265+113C>T on transcript NM_152906.7 (MANE Select); 113 bases into the intron after coding-DNA position 265, C replaced by T.
Molecular consequence: intron variant.
Genome position (GRCh38, 1-based): chr22:20,052,697, C>T. VCF-style: chr22-20052697-C-T. GRCh37 (hg19) VCF-style: chr22-20040220-C-T.
Other names: NC_000022.10:g.20040220C>T; c.265+113C>T (NM_001283106.3, NM_001322163.2, NM_001283179.3 and 10 more transcripts); c.86+113C>T (NM_001322174.2, NM_001322172.2, NM_001322160.2 and 9 more transcripts); c.388+113C>T (NM_001322143.2, NM_001322145.2, NM_001322141.2 and 5 more transcripts).
Identifiers: ClinVar variation 672502 (VCV000672502.2), dbSNP rs77399579, ClinGen allele CA322139568.

ClinVar aggregate classification (germline): Benign (1 of 4 stars; one submission).

Allele frequency attached by ClinVar (database versions not stated): gnomAD 0.02210 and 0.02080; 1000 Genomes Project 30x 0.02670; gnomAD exomes 0.00231; TOPMed 0.02324; 1000 Genomes Project 0.02516.
gnomAD v4.1: 6,116 of 1,360,564 alleles (0.45%); highest among the groups gnomAD compares: African/African-American, 7.3%; 214 homozygotes.

Submissions (2):

GeneDx
Classification: Benign. Last evaluated: 2018-06-14. Review status: criteria provided, single submitter. Criteria: GeneDx Variant Classification (06012015). Collection method: clinical testing. Allele origin: germline. Affected: yes.
Comment: This variant is considered likely benign or benign based on one or more of the following criteria: it is a conservative change, it occurs at a poorly conserved position in the protein, it is predicted to be benign by multiple in silico algorithms, and/or has population frequency not consistent with disease.

Dr. Peter K. Rogan Lab, Western University
No classification provided (evidence only). Condition: Uterine corpus endometrial carcinoma. Review status: no classification provided. Collection method: in vitro. Allele origin: not applicable. Functional consequence: retained intron. Not counted in ClinVar's aggregate classification.